The following is an entry in ClinVar:

ClinVar aggregate classification (germline): Uncertain significance. Review status: criteria provided, multiple submitters, no conflicts (2 of 4 stars). 3 submissions from 3 submitters: Uncertain significance (3). Last evaluated 2024-11-04.

Conditions:
Myopathy, centronuclear, 2 (CNM2). Also called: MYOTUBULAR MYOPATHY, AUTOSOMAL RECESSIVE. Identifiers: Orphanet 169186, MedGen CN031787, MONDO:0009709, OMIM 255200.

Allele frequency attached by ClinVar (database versions not stated): gnomAD exomes below 0.00001.
gnomAD v4.1: 6 of 1,613,804 alleles (0.00037%); highest among the groups gnomAD compares: Non-Finnish European, 0.00051%; no homozygotes.

Submissions (3):

Labcorp Genetics (formerly Invitae), Labcorp
Classification: Uncertain significance for Myopathy, centronuclear, 2. Last evaluated: 2024-11-04. Review status: criteria provided, single submitter. Criteria: Invitae Variant Classification Sherloc (09022015). Collection method: clinical testing. Allele origin: germline.
Comment: This sequence change replaces leucine, which is neutral and non-polar, with valine, which is neutral and non-polar, at codon 227 of the BIN1 protein (p.Leu227Val). This variant is not present in population databases (gnomAD no frequency). This variant has not been reported in the literature in individuals affected with BIN1-related conditions. ClinVar contains an entry for this variant (Variation ID: 331054). Invitae Evidence Modeling of protein sequence and biophysical properties (such as structural, functional, and spatial information, amino acid conservation, physicochemical variation, residue mobility, and thermodynamic stability) indicates that this missense variant is expected to disrupt BIN1 protein function with a positive predictive value of 80%. In summary, the available evidence is currently insufficient to determine the role of this variant in disease. Therefore, it has been classified as a Variant of Uncertain Significance.

GeneDx
Classification: Uncertain significance. Last evaluated: 2022-06-06. Review status: criteria provided, single submitter. Criteria: GeneDx Variant Classification Process June 2021. Collection method: clinical testing. Allele origin: germline. Affected: yes.
Comment: Not observed at significant frequency in large population cohorts (gnomAD); In silico analysis supports that this missense variant has a deleterious effect on protein structure/function; Has not been previously published as pathogenic or benign to our knowledge

Illumina Laboratory Services, Illumina
Classification: Uncertain significance for Myopathy, centronuclear, 2. Last evaluated: 2018-01-13. Review status: criteria provided, single submitter. Criteria: ICSL Variant Classification Criteria 13 December 2019. Collection method: clinical testing. Allele origin: germline.

NM_139343.3(BIN1):c.679C>G (p.Leu227Val)

Gene: BIN1 (bridging integrator 1; minus strand). Cytogenetic location: 2q14.3.
Variant type: single nucleotide variant.
Coding change: c.679C>G on transcript NM_139343.3 (MANE Select); coding-DNA position 679, C replaced by G.
Protein change: p.Leu227Val; replaces leucine 227 with valine.
Molecular consequence: missense variant.
Genome position (GRCh38, 1-based): chr2:127,063,952, G>C on the plus strand (C>G on the coding strand, the complement: BIN1 is on the minus strand). VCF-style: chr2-127063952-G-C. GRCh37 (hg19) VCF-style: chr2-127821528-G-C.
Other names: c.586C>G, p.Leu196Val (NM_001320632.2, NM_001320641.2, NM_004305.4 and 6 more transcripts); c.679C>G, p.Leu227Val (NM_001320633.2, NM_001320640.2, NM_139344.3 and 1 more transcripts); c.514C>G, p.Leu172Val (NM_001320634.1); c.598C>G, p.Leu200Val (NM_001320642.1); short protein forms L227V, L172V, L196V, L200V.
Identifiers: ClinVar variation 331054 (VCV000331054.15), dbSNP rs886054835, ClinGen allele CA10612170.